The following is an entry in ClinVar:

ClinVar aggregate classification (germline): Pathogenic/Likely pathogenic. Review status: criteria provided, multiple submitters, no conflicts (2 of 4 stars). 18 submissions from 17 submitters: Pathogenic (11); Likely pathogenic (2). 5 of the submissions do not count toward it. Last evaluated 2026-01-06.

Conditions:
Dermatitis, atopic, 2. Identifiers: MedGen C1853965, MONDO:0011596, OMIM 605803.
Ichthyosis vulgaris. Also called: ICHTHYOSIS SIMPLEX; Dominant ichthyosis vulgaris. Identifiers: MedGen C0079584, MONDO:0024304, OMIM 146700.
Dermatitis, atopic, 2, susceptibility to. Identifiers: MedGen C2675432.
Autosomal dominant ichthyosis vulgaris. Identifiers: MedGen C0432300, MONDO:0007810.

Allele frequency attached by ClinVar (database versions not stated): ESP Exome Variant Server 0.00008; gnomAD exomes 0.00022 and 0.00073; gnomAD 0.00029 and 0.00036; ExAC 0.00068; TOPMed 0.00068; 1000 Genomes Project 0.00140; 1000 Genomes Project 30x 0.00141.

Submissions (18):

Dasa
Classification: Pathogenic. Last evaluated: 2026-01-06. Review status: criteria provided, single submitter. Criteria: DASA Assertion Criteria. Collection method: clinical testing. Allele origin: germline.
Comment: NM_002016.2(FLG):c.3321del (p.Gly1109Glufs*13) introduces a premature termination codon predicted to result in loss of normal protein function. Loss-of-function is an established mechanism of disease for this gene. This variant has been recurrently observed in individuals with related phenotype (PMID: 17291859; PMID: 24858702; PMID: 27120251; PMID: 27040325). The variant is present at low frequency in population datasets. Based on the available data, this variant is classified as pathogenic.

Variantyx, Inc.
Classification: Pathogenic for Ichthyosis vulgaris. Last evaluated: 2025-12-19. Review status: criteria provided, single submitter. Criteria: Variantyx Assertion Criteria 2022. Collection method: clinical testing. Allele origin: germline. Inheritance: Semidominant inheritance. Affected: yes.
Comment: This is a frameshift variant in the FLG gene (OMIM: 135940). Pathogenic variants in this gene have been associated with autosomal dominant or autosomal recessive ichthyosis vulgaris. This variant introduces a premature termination codon in exon 3 out of 3 and is expected to result in loss of function, which is a known disease mechanism for FLG in this disorder (PMID:16444271) (PVS1). The frequency of this variant in affected individuals is significantly increased compared to controls (PMIDs: 18521703, 21923666, 22220561) (PS4), while the variant has a 0.7788% maximum allele frequency in non-founder control populations. Based on the current evidence, this variant is classified as pathogenic for autosomal dominant or autosomal recessive ichthyosis vulgaris.

3billion
Classification: Pathogenic for Dermatitis, atopic, 2. Last evaluated: 2025-03-19. Review status: criteria provided, single submitter. Criteria: ACMG Guidelines, 2015. Collection method: clinical testing. Allele origin: germline. Affected: yes.
Comment: The variant is observed at an allele frequency greater than expected for the associated disorder in the gnomAD v4.1.0 dataset and therefore considered benign. Predicted Consequence/Location: Frameshift: predicted to result in a loss or disruption of normal protein function through protein truncation. The predicted truncated protein may be shortened by more than 10% and a dominant negative effect has been reported near truncated region. The variant has been reported at least twice as pathogenic with clinical assertions and evidence for the classification (ClinVar ID: VCV000420115 / PMID: 17291859). Therefore, this variant is classified as Pathogenic according to the recommendation of ACMG/AMP guideline.

Revvity Omics, Revvity
Classification: Likely pathogenic for Ichthyosis vulgaris. Last evaluated: 2024-08-22. Review status: criteria provided, single submitter. Criteria: ACMG Guidelines, 2015. Collection method: clinical testing. Allele origin: germline.

Fulgent Genetics
Classification: Pathogenic for Ichthyosis vulgaris; Dermatitis, atopic, 2. Last evaluated: 2024-04-20. Review status: criteria provided, single submitter. Criteria: ACMG Guidelines, 2015. Collection method: clinical testing. Allele origin: germline.

Baylor Genetics
Classification: Pathogenic for Ichthyosis vulgaris. Last evaluated: 2023-12-25. Review status: criteria provided, single submitter. Criteria: ACMG Guidelines, 2015. Collection method: clinical testing. Allele origin: unknown.

Department of Pathology and Laboratory Medicine, Sinai Health System
Classification: Pathogenic for Ichthyosis vulgaris. Last evaluated: 2023-09-18. Review status: criteria provided, single submitter. Criteria: ACMG Guidelines, 2015. Collection method: research. Allele origin: germline.

Genome-Nilou Lab
Classification: Pathogenic for Ichthyosis vulgaris. Last evaluated: 2023-04-11. Review status: criteria provided, single submitter. Criteria: ACMG Guidelines, 2015. Collection method: clinical testing. Allele origin: germline. Affected: no.

GeneDx
Classification: Pathogenic. Last evaluated: 2022-05-24. Review status: criteria provided, single submitter. Criteria: GeneDx Variant Classification Process June 2021. Collection method: clinical testing. Allele origin: germline. Affected: yes.
Comment: One of the most common pathogenic variants in the FLG gene reported in individuals of Asian descent with atopic dermatitis and has been described in Chinese, Japanese, Korean, and Singaporean populations (Nomura et al., 2007; Meng et al., 2014); Frameshift variant in the C-terminus predicted to result in protein truncation, as the last 2953 amino acids are lost and replaced with 12 incorrect amino acids; This variant is associated with the following publications: (PMID: 21923666, 22407025, 22220561, 23152869, 24858702, 23744309, 17291859, 27519469, 27270549, 18521703, 28120571, 29380403, 30021537, 34426522)

Mendelics
Classification: Pathogenic for Ichthyosis vulgaris. Last evaluated: 2022-05-04. Review status: criteria provided, single submitter. Criteria: Mendelics Assertion Criteria 2019. Collection method: clinical testing. Allele origin: germline.

Victorian Clinical Genetics Services, Murdoch Childrens Research Institute
Classification: Pathogenic for Autosomal dominant ichthyosis vulgaris. Last evaluated: 2020-10-19. Review status: criteria provided, single submitter. Criteria: ACMG Guidelines, 2015. Collection method: clinical testing. Allele origin: germline.
Comment: Based on the classification scheme VCGS_Germline_v1.1.1, this variant is classified as Pathogenic. Following criteria are met: 0102 - Loss-of-function is a known mechanism of disease for this gene. (N) 0108 - This gene is known to be associated with both recessive and dominant disease. Biallelic truncating variants generally result in a more severe condition (PMID: 17291859, PMID: 30681730). (N) 0112 - Variants in this gene are known to have reduced penetrance (PMID: 17291859, PMID: 30681730). (N) 0204 - Variant is predicted to result in a truncated protein with more than 1/3 of the protein affected (exon 3 of 3). (P) 0251 - Variant is heterozygous. (N) 0303 - Variant is present in gnomAD v3 >=0.01 for a dominant condition (39 heterozygotes, 1 homozygote). (B) 0701 - Comparable variants have very strong previous evidence for pathogenicity. Many downstream variants also predicted to result in a truncated protein, have been reported in patients with skin conditions (Decipher). (P) 0801 - Strong previous evidence of pathogenicity in unrelated individuals. This variant has been reported as pathogenic, and represents one of the most common disease-causing alleles within the Asian population for atopic dermatitis (ClinVar, PMID: 24858702). (N) Legend: (P) - Pathogenic, (N) - Neutral, (B) - Benign

Clinical Genetics Service, Universitary Hospital 12 de Octubre
Classification: Likely pathogenic for Dermatitis, atopic, 2. Review status: criteria provided, single submitter. Criteria: ACMG Guidelines, 2015. Collection method: clinical testing. Allele origin: germline. Affected: yes.

Juno Genomics, Hangzhou Juno Genomics, Inc
Classification: Pathogenic for Dermatitis, atopic, 2; Ichthyosis vulgaris. Review status: criteria provided, single submitter. Criteria: ACMG Guidelines, 2015. Collection method: clinical testing. Allele origin: germline. Affected: yes.
Comment: Null variant in a gene where loss of function (LOF) is a known mechanism of disease.;The prevalence of the variant in affected individuals is significantly increased compared to the prevalence in controls.;Patient's phenotype or family history is highly specific for a disease with a single genetic etiology.;Well-established in vitro or in vivo functional studies supportive of a damaging effect on the gene or gene product.;Co-segregation with disease in multiple affected family members in a gene definitively known to cause the disease.

Reproductive Health Research and Development, BGI Genomics
Classification: Pathogenic for Ichthyosis vulgaris. Last evaluated: 2020-01-06. Review status: no assertion criteria provided. Collection method: curation. Allele origin: germline. Not counted in ClinVar's aggregate classification.
Comment: NM_002016.1:c.3321delA in the FLG gene has an allele frequency of 0.01 in East Asia subpopulation in the gnomAD database.This variant is predicted to cause loss of normal protein function through protein truncation. The patient's phenotype is highly specific for FLG (PMID: 17291859). Taken together, we interprete this variant as Pathogenic/Likely pathogenic. ACMG/AMP criteria applied: PVS1; PM2_supporting; PP4.

OMIM
Classification: Pathogenic for ICHTHYOSIS VULGARIS. Last evaluated: 2007-02-01. Review status: no assertion criteria provided. Collection method: literature only. Allele origin: germline. Not counted in ClinVar's aggregate classification.

OMIM
Classification: risk factor for DERMATITIS, ATOPIC, 2, SUSCEPTIBILITY TO. Last evaluated: 2007-02-01. Review status: no assertion criteria provided. Collection method: literature only. Allele origin: germline. Not counted in ClinVar's aggregate classification.

Diagnostic Laboratory, Department of Genetics, University Medical Center Groningen
Classification: Pathogenic. Review status: no assertion criteria provided. Collection method: clinical testing. Allele origin: germline. Affected: yes. Study: VKGL Data-share Consensus. Not counted in ClinVar's aggregate classification.

Joint Genome Diagnostic Labs from Nijmegen and Maastricht, Radboudumc and MUMC+
Classification: Pathogenic. Review status: no assertion criteria provided. Collection method: clinical testing. Allele origin: germline. Affected: yes. Study: VKGL Data-share Consensus. Not counted in ClinVar's aggregate classification.

Literature cited by the submitters: PubMed 17291859 (cited by 4 submitters); PubMed 24858702 (cited by Dasa and Victorian Clinical Genetics Services, Murdoch Childrens Research Institute); PubMed 27120251 (cited by Dasa); PubMed 27040325 (cited by Dasa); PubMed 16444271 (cited by Variantyx, Inc.); PubMed 27667308 (cited by Variantyx, Inc.); PubMed 18521703 (cited by Variantyx, Inc.); PubMed 21923666 (cited by Variantyx, Inc.); PubMed 22220561 (cited by Variantyx, Inc.); PubMed 30681730 (cited by Victorian Clinical Genetics Services, Murdoch Childrens Research Institute).

NM_002016.2(FLG):c.3321del (p.Gly1109fs)

Genes: CCDST (cervical cancer associated DHX9 suppressive transcript; plus strand), FLG (filaggrin; minus strand). Cytogenetic location: 1q21.3.
Variant type: Deletion.
Coding change: c.3321del on transcript NM_002016.2 (MANE Select); coding-DNA position 3321, one base deleted (A; older notation c.3321delA).
Protein change: p.Gly1109fs; shifts the reading frame from glycine 1109.
Molecular consequence: frameshift variant.
Genome position (GRCh38, 1-based): chr1:152,311,565, T deleted on the plus strand (A on the coding strand, the reverse complement: FLG is on the minus strand). VCF-style (leftmost placement, unchanged base first): chr1-152311564-CT-C. GRCh37 (hg19) VCF-style: chr1-152284040-CT-C.
Other names: c.3321delA (NM_002016.1); short protein forms G1109fs.
Identifiers: ClinVar variation 420115 (VCV000420115.21), dbSNP rs200519781, ClinGen allele CA1106738.
Genomic context (GRCh38, chr1:152,311,564, plus strand): 5'-CAGACTGTTCATGAGTGCTCACCTGGTAGATGAAAGACCCTGAACGTCCAGACCTTCCCC[CT>C]GACCAGTCACGTGCGGACTCTTGGTGGCTCTGCTGATGGGGCCCATCCTGTCCATGGCCT-3'